The following is an entry in ClinVar:

ClinVar aggregate classification (germline): Uncertain significance (1 of 4 stars; one submission).

Submission:

Labcorp Genetics (formerly Invitae), Labcorp
Classification: Uncertain significance. Last evaluated: 2022-05-10. Review status: criteria provided, single submitter. Criteria: Invitae Variant Classification Sherloc (09022015). Collection method: clinical testing. Allele origin: germline.
Comment: Variants that disrupt the consensus splice site are a relatively common cause of aberrant splicing (PMID: 17576681, 9536098). Algorithms developed to predict the effect of sequence changes on RNA splicing suggest that this variant is not likely to affect RNA splicing. In summary, the available evidence is currently insufficient to determine the role of this variant in disease. Therefore, it has been classified as a Variant of Uncertain Significance. This variant has not been reported in the literature in individuals affected with ANKH-related conditions. This sequence change falls in intron 7 of the ANKH gene. It does not directly change the encoded amino acid sequence of the ANKH protein. It affects a nucleotide within the consensus splice site. This variant is not present in population databases (gnomAD no frequency).

Literature cited by the submitters: PubMed 17576681; PubMed 9536098.

NM_054027.6(ANKH):c.915+6_915+15del

Gene: ANKH (ANKH inorganic pyrophosphate transport regulator; minus strand). Cytogenetic location: 5p15.2.
Variant type: Deletion.
Coding change: c.915+6_915+15del on transcript NM_054027.6 (MANE Select); bases 6 to 15 of the intron after coding-DNA position 915, 10 bases deleted (AACCCGTGCG; older notation c.915+6_915+15delAACCCGTGCG).
Molecular consequence: intron variant.
Genome position (GRCh38, 1-based): chr5:14,745,855-14,745,864, CGCACGGGTT deleted on the plus strand (AACCCGTGCG on the coding strand, the reverse complement: ANKH is on the minus strand); deleting any 10 consecutive bases within chr5:14,745,855-14,745,865 gives the same sequence; the c. name uses the placement nearest the transcript's 3' end. VCF-style (leftmost placement, unchanged base first): chr5-14745854-CCGCACGGGTT-C. GRCh37 (hg19) VCF-style: chr5-14745963-CCGCACGGGTT-C.
Identifiers: ClinVar variation 1992641 (VCV001992641.4), dbSNP rs2477367028, ClinGen allele CA2580072165.
Genomic context (GRCh38, chr5:14,745,854, plus strand): 5'-CCTCATCAGAGAGCCCTGTCTATCAAGAAGTCATTTCAAAAGCATGTTTCAGACACGACA[CCGCACGGGTT>C]CTCACCTTGTCGAAAGCAGGATACACAGCACGGATTTCCGTCAACCAGCCGTATGGCATG-3'